The following is an entry in ClinVar:

ClinVar aggregate classification (germline): Pathogenic. Review status: criteria provided, single submitter (1 of 4 stars). 3 submissions from 3 submitters: Pathogenic (1). 2 of the submissions do not count toward it. Last evaluated 2024-01-31.

Conditions:
Anauxetic dysplasia. Identifiers: Orphanet 93347, MedGen C1846796, MONDO:0011773.
Metaphyseal dysplasia without hypotrichosis. Also called: CARTILAGE-HAIR HYPOPLASIA VARIANT, SKELETAL MANIFESTATIONS ONLY; CARTILAGE-HAIR HYPOPLASIA-LIKE SKELETAL DYSPLASIA WITHOUT HYPOTRICHOSIS OR IMMUNODEFICIENCY; Metaphyseal Dysplasia without Hypotrichosis (MDWH). Identifiers: MedGen C1834821, MONDO:0009601, OMIM 250460.
Metaphyseal chondrodysplasia, McKusick type (CHH). Also called: Cartilage-Hair Hypoplasia (CHH); Cartilage-hair hypoplasia. Identifiers: Orphanet 175, MedGen C0220748, MONDO:0009595, OMIM 250250.

Submissions (3):

Labcorp Genetics (formerly Invitae), Labcorp
Classification: Pathogenic for Anauxetic dysplasia. Last evaluated: 2024-01-31. Review status: criteria provided, single submitter. Criteria: Invitae Variant Classification Sherloc (09022015). Collection method: clinical testing. Allele origin: germline.
Comment: This variant occurs in the RMRP gene, which encodes an RNA molecule that does not result in a protein product. This variant is not present in population databases (gnomAD no frequency). This variant has been observed in individuals with cartilage-hair hypoplasia-anauxetic dysplasia (CHH-AD) spectrum disorders (PMID: 14608646). Other insertions and duplications immediately upstream of the coding sequence have been reported in individuals affected with cartilage-hair hypoplasia-anauxetic dysplasia (CHH-AD) spectrum disorders (PMID: 16244706, 11207361, 12107819). This variant is also known as -20ins17. ClinVar contains an entry for this variant (Variation ID: 14219). Studies have shown that this variant alters RMRP gene expression (PMID: 14608646). For these reasons, this variant has been classified as Pathogenic.

Counsyl
Classification: Likely pathogenic for Metaphyseal chondrodysplasia, McKusick type. Last evaluated: 2018-02-21. Review status: no assertion criteria provided. Collection method: clinical testing. Allele origin: unknown. Not counted in ClinVar's aggregate classification.

OMIM
Classification: Pathogenic for METAPHYSEAL DYSPLASIA WITHOUT HYPOTRICHOSIS. Last evaluated: 2003-12-15. Review status: no assertion criteria provided. Collection method: literature only. Allele origin: germline. Not counted in ClinVar's aggregate classification.

Literature cited by the submitters: PubMed 14608646 (cited by Labcorp Genetics (formerly Invitae), Labcorp and OMIM); PubMed 16244706 (cited by Labcorp Genetics (formerly Invitae), Labcorp); PubMed 11207361 (cited by Labcorp Genetics (formerly Invitae), Labcorp); PubMed 12107819 (cited by Labcorp Genetics (formerly Invitae), Labcorp).

NR_003051.3(RMRP):n.-8_-7ins17

Gene: RMRP (RNA component of mitochondrial RNA processing endoribonuclease; minus strand). Cytogenetic location: 9p13.3.
Variant type: Insertion.
Genome position: GRCh38 VCF-style: chr9-35658025-T-TCAGCTTCACAGAGTCCC. GRCh37 (hg19) VCF-style: chr9-35658022-T-TCAGCTTCACAGAGTCCC.
Identifiers: ClinVar variation 14219 (VCV000014219.7), dbSNP rs1554651469, ClinGen allele CA257186.